The following is an entry in ClinVar:

ClinVar aggregate classification (germline): Uncertain significance (1 of 4 stars; one submission).

gnomAD v4.1: 38 of 1,613,884 alleles (0.0024%); highest among the groups gnomAD compares: Non-Finnish European, 0.0031%; no homozygotes.

Submission:

Women's Health and Genetics/Laboratory Corporation of America, LabCorp
Classification: Uncertain significance. Last evaluated: 2026-05-27. Review status: criteria provided, single submitter. Criteria: LabCorp Variant Classification Summary - May 2015. Collection method: clinical testing. Allele origin: germline.
Comment: Variant summary: CEP104 c.215T>C (p.Ile72Thr) results in a non-conservative amino acid change in the encoded protein sequence. Algorithms developed to predict the effect of missense changes on protein structure and function all suggest that this variant is likely to be disruptive. The variant allele was found at a frequency of 4e-06 in 251378 control chromosomes. The available data on variant occurrences in the general population are insufficient to allow any conclusion about variant significance. To our knowledge, no occurrence of c.215T>C in individuals affected with CEP104-related conditions and no experimental evidence demonstrating its impact on protein function have been reported. No submitters have cited clinical-significance assessments for this variant to ClinVar. Based on the evidence outlined above, the variant was classified as uncertain significance.

NM_014704.4(CEP104):c.215T>C (p.Ile72Thr)

Gene: CEP104 (centrosomal protein 104; minus strand). Cytogenetic location: 1p36.32.
Variant type: single nucleotide variant.
Coding change: c.215T>C on transcript NM_014704.4 (MANE Select); coding-DNA position 215, T replaced by C.
Protein change: p.Ile72Thr; replaces isoleucine 72 with threonine.
Molecular consequence: missense variant.
Genome position (GRCh38, 1-based): chr1:3,848,680, A>G on the plus strand (T>C on the coding strand, the complement: CEP104 is on the minus strand). VCF-style: chr1-3848680-A-G. GRCh37 (hg19) VCF-style: chr1-3765244-A-G.
Other names: short protein forms I72T.
Identifiers: ClinVar variation 4853429 (VCV004853429.1).